The following is an entry in ClinVar:

NM_002677.5(PMP2):c.19G>A (p.Gly7Ser)

Gene: PMP2 (peripheral myelin protein 2; minus strand). Cytogenetic location: 8q21.13.
Variant type: single nucleotide variant.
Coding change: c.19G>A on transcript NM_002677.5 (MANE Select); coding-DNA position 19, G replaced by A.
Protein change: p.Gly7Ser; replaces glycine 7 with serine.
Molecular consequence: missense variant.
Genome position (GRCh38, 1-based): chr8:81,447,368, C>T on the plus strand (G>A on the coding strand, the complement: PMP2 is on the minus strand). VCF-style: chr8-81447368-C-T. GRCh37 (hg19) VCF-style: chr8-82359603-C-T.
Other names: c.19G>A, p.Gly7Ser (NM_001348381.2); short protein forms G7S.
Identifiers: ClinVar variation 3702337 (VCV003702337.2).

ClinVar aggregate classification (germline): Uncertain significance (1 of 4 stars; one submission).

Submission:

Labcorp Genetics (formerly Invitae), Labcorp
Classification: Uncertain significance. Last evaluated: 2025-10-29. Review status: criteria provided, single submitter. Criteria: Invitae Variant Classification Sherloc (09022015). Collection method: clinical testing. Allele origin: germline.
Comment: This sequence change replaces glycine, which is neutral and non-polar, with serine, which is neutral and polar, at codon 7 of the PMP2 protein (p.Gly7Ser). This variant is present in population databases (rs147400206, gnomAD 0.0009%). This variant has not been reported in the literature in individuals affected with PMP2-related conditions. ClinVar contains an entry for this variant (Variation ID: 3702337). An algorithm developed to predict the effect of missense changes on protein structure and function (PolyPhen-2) suggests that this variant is likely to be disruptive. In summary, the available evidence is currently insufficient to determine the role of this variant in disease. Therefore, it has been classified as a Variant of Uncertain Significance.